The following is an entry in ClinVar:

NM_001851.6(COL9A1):c.1450G>A (p.Gly484Ser)

Gene: COL9A1 (collagen type IX alpha 1 chain; minus strand). Cytogenetic location: 6q13.
Variant type: single nucleotide variant.
Coding change: c.1450G>A on transcript NM_001851.6 (MANE Select); coding-DNA position 1450, G replaced by A.
Protein change: p.Gly484Ser; replaces glycine 484 with serine.
Molecular consequence: missense variant. On other transcripts: non-coding transcript variant (1).
Genome position (GRCh38, 1-based): chr6:70,256,821, C>T on the plus strand (G>A on the coding strand, the complement: COL9A1 is on the minus strand). VCF-style: chr6-70256821-C-T. GRCh37 (hg19) VCF-style: chr6-70966524-C-T.
Other names: c.1450G>A (NM_001851.4); c.721G>A, p.Gly241Ser (NM_001377289.1, NM_001377290.1, NM_078485.4); short protein forms G241S, G484S.
Identifiers: ClinVar variation 1496243 (VCV001496243.9), dbSNP rs1771329366, ClinGen allele CA364678546.

ClinVar aggregate classification (germline): Uncertain significance. Review status: criteria provided, multiple submitters, no conflicts (2 of 4 stars). 2 submissions from 2 submitters: Uncertain significance (2). Last evaluated 2025-12-01.

Allele frequency attached by ClinVar (database versions not stated): gnomAD exomes below 0.00001.
gnomAD v4.1: 2 of 1,613,424 alleles (0.00012%); highest among the groups gnomAD compares: Non-Finnish European, 0.00017%; no homozygotes.

Submissions (2):

Labcorp Genetics (formerly Invitae), Labcorp
Classification: Uncertain significance. Last evaluated: 2025-12-01. Review status: criteria provided, single submitter. Criteria: Invitae Variant Classification Sherloc (09022015). Collection method: clinical testing. Allele origin: germline.
Comment: This sequence change replaces glycine, which is neutral and non-polar, with serine, which is neutral and polar, at codon 484 of the COL9A1 protein (p.Gly484Ser). This variant is not present in population databases (gnomAD no frequency). This variant has not been reported in the literature in individuals affected with COL9A1-related conditions. ClinVar contains an entry for this variant (Variation ID: 1496243). An algorithm developed to predict the effect of missense changes on protein structure and function (PolyPhen-2) suggests that this variant is likely to be disruptive. In summary, the available evidence is currently insufficient to determine the role of this variant in disease. Therefore, it has been classified as a Variant of Uncertain Significance.

GeneDx
Classification: Uncertain significance. Last evaluated: 2024-05-02. Review status: criteria provided, single submitter. Criteria: GeneDx Variant Classification Process June 2021. Collection method: clinical testing. Allele origin: germline. Affected: yes.
Comment: Not observed at significant frequency in large population cohorts (gnomAD); In silico analysis supports that this missense variant has a deleterious effect on protein structure/function; Has not been previously published as pathogenic or benign to our knowledge